The following is an entry in ClinVar:

ClinVar aggregate classification (germline): Uncertain significance (1 of 4 stars; one submission).

Conditions:
Multiple congenital anomalies-hypotonia-seizures syndrome 1 (MCAHS1). Also called: GLYCOSYLPHOSPHATIDYLINOSITOL BIOSYNTHESIS DEFECT 3; PIGN-CDG; Congenital disorder of glycosylation due to PIGN deficiency. Identifiers: Orphanet 280633, MedGen C3279775, MONDO:0013563, OMIM 614080.

Allele frequency attached by ClinVar (database versions not stated): gnomAD exomes 0.00003.
gnomAD v4.1: 34 of 1,543,292 alleles (0.0022%); highest among the groups gnomAD compares: Non-Finnish European, 0.003%; no homozygotes.

Submission:

Labcorp Genetics (formerly Invitae), Labcorp
Classification: Uncertain significance for Multiple congenital anomalies-hypotonia-seizures syndrome 1. Last evaluated: 2021-09-17. Review status: criteria provided, single submitter. Criteria: Invitae Variant Classification Sherloc (09022015). Collection method: clinical testing. Allele origin: germline.
Comment: This sequence change replaces asparagine with aspartic acid at codon 216 of the PIGN protein (p.Asn216Asp). The asparagine residue is highly conserved and there is a small physicochemical difference between asparagine and aspartic acid. This variant is not present in population databases (ExAC no frequency). This variant has not been reported in the literature in individuals affected with PIGN-related conditions. Algorithms developed to predict the effect of missense changes on protein structure and function are either unavailable or do not agree on the potential impact of this missense change (SIFT: "Tolerated"; PolyPhen-2: "Probably Damaging"; Align-GVGD: "Class C0"). In summary, the available evidence is currently insufficient to determine the role of this variant in disease. Therefore, it has been classified as a Variant of Uncertain Significance.

NM_176787.5(PIGN):c.646A>G (p.Asn216Asp)

Gene: PIGN (phosphatidylinositol glycan anchor biosynthesis class N; minus strand). Cytogenetic location: 18q21.33.
Variant type: single nucleotide variant.
Coding change: c.646A>G on transcript NM_176787.5 (MANE Select); coding-DNA position 646, A replaced by G.
Protein change: p.Asn216Asp; replaces asparagine 216 with aspartic acid.
Molecular consequence: missense variant.
Genome position (GRCh38, 1-based): chr18:62,148,242, T>C on the plus strand (A>G on the coding strand, the complement: PIGN is on the minus strand). VCF-style: chr18-62148242-T-C. GRCh37 (hg19) VCF-style: chr18-59815475-T-C.
Other names: c.646A>G, p.Asn216Asp (NM_012327.6); short protein forms N216D.
Identifiers: ClinVar variation 1402544 (VCV001402544.5), dbSNP rs926013149, ClinGen allele CA301686035.